The following is an entry in ClinVar:

NM_198174.3(GRHL3):c.1718G>A (p.Arg573His)

Genes: GRHL3 (grainyhead like transcription factor 3; plus strand), STPG1 (sperm tail PG-rich repeat containing 1; minus strand). Cytogenetic location: 1p36.11.
Variant type: single nucleotide variant.
Coding change: c.1718G>A on transcript NM_198174.3; coding-DNA position 1718, G replaced by A.
Protein change: p.Arg573His; replaces arginine 573 with histidine.
Molecular consequence: missense variant. On other transcripts: intron variant (4).
Genome position (GRCh38, 1-based): chr1:24,364,208, G>A. VCF-style: chr1-24364208-G-A. GRCh37 (hg19) VCF-style: chr1-24690698-G-A.
Other names: c.738-3167C>T (NM_001199012.2, NM_001199013.2); c.597-3167C>T (NM_178122.5); c.462-3167C>T (NM_001199014.2); short protein forms R573H.
Identifiers: ClinVar variation 2146398 (VCV002146398.12), dbSNP rs151326764, ClinGen allele CA690542.

ClinVar aggregate classification (germline): Benign/Likely benign. Review status: criteria provided, multiple submitters, no conflicts (2 of 4 stars). 3 submissions from 3 submitters: Benign (1); Likely benign (1). 1 of the submissions does not count toward it. Last evaluated 2025-12-03.

Conditions:
GRHL3-related disorder. Also called: GRHL3-related condition.
Van der Woude syndrome 2 (VWS2). Identifiers: Orphanet 888, MedGen C1847604, MONDO:0011712, OMIM 606713.

Allele frequency attached by ClinVar (database versions not stated): 1000 Genomes Project 0.00040; ExAC 0.00087; gnomAD exomes 0.00082; 1000 Genomes Project 30x 0.00031.
gnomAD v4.1: 1,268 of 1,538,304 alleles (0.082%); highest among the groups gnomAD compares: Non-Finnish European, 0.093%; 4 homozygotes.

Submissions (3):

Labcorp Genetics (formerly Invitae), Labcorp
Classification: Benign for Van der Woude syndrome 2. Last evaluated: 2025-12-03. Review status: criteria provided, single submitter. Criteria: Invitae Variant Classification Sherloc (09022015). Collection method: clinical testing. Allele origin: germline.

CeGaT Center for Human Genetics Tuebingen
Classification: Likely benign. Last evaluated: 2025-04-01. Review status: criteria provided, single submitter. Criteria: CeGaT Center For Human Genetics Tuebingen Variant Classification Criteria Version 2. Collection method: clinical testing. Allele origin: germline. Affected: yes. Observed: 1 variant allele.
Comment: GRHL3: BP4, BS2

PreventionGenetics, part of Exact Sciences
Classification: Likely benign for GRHL3-related condition. Last evaluated: 2020-06-29. Review status: no assertion criteria provided. Collection method: clinical testing. Allele origin: germline. Not counted in ClinVar's aggregate classification.
Comment: This variant is classified as likely benign based on ACMG/AMP sequence variant interpretation guidelines (Richards et al. 2015 PMID: 25741868, with internal and published modifications).